The following is an entry in ClinVar:

ClinVar aggregate classification (germline): Likely benign (1 of 4 stars; one submission).

Allele frequency attached by ClinVar (database versions not stated): ESP Exome Variant Server 0.00015; TOPMed 0.00028; gnomAD exomes 0.00044; gnomAD 0.00060; 1000 Genomes Project 30x 0.00062; 1000 Genomes Project 0.00080; ExAC 0.00080.
gnomAD v4.1: 740 of 1,612,418 alleles (0.046%); highest among the groups gnomAD compares: East Asian, 0.43%; 2 homozygotes.

Submission:

CeGaT Center for Human Genetics Tuebingen
Classification: Likely benign. Last evaluated: 2022-03-01. Review status: criteria provided, single submitter. Criteria: CeGaT Center For Human Genetics Tuebingen Variant Classification Criteria Version 2. Collection method: clinical testing. Allele origin: germline. Affected: yes. Observed: 1 variant allele.
Comment: FLG: BP4, BS1

NM_002016.2(FLG):c.9629G>A (p.Arg3210His)

Genes: CCDST (cervical cancer associated DHX9 suppressive transcript; plus strand), FLG (filaggrin; minus strand). Cytogenetic location: 1q21.3.
Variant type: single nucleotide variant.
Coding change: c.9629G>A on transcript NM_002016.2 (MANE Select); coding-DNA position 9629, G replaced by A.
Protein change: p.Arg3210His; replaces arginine 3210 with histidine.
Molecular consequence: missense variant.
Genome position (GRCh38, 1-based): chr1:152,305,257, C>T on the plus strand (G>A on the coding strand, the complement: FLG is on the minus strand). VCF-style: chr1-152305257-C-T. GRCh37 (hg19) VCF-style: chr1-152277733-C-T.
Other names: short protein forms R3210H.
Identifiers: ClinVar variation 2639250 (VCV002639250.24), dbSNP rs201718564, ClinGen allele CA1103754.